The following is an entry in ClinVar:

NM_017617.5(NOTCH1):c.7583A>G (p.Asn2528Ser)

Gene: NOTCH1 (notch receptor 1; minus strand). Cytogenetic location: 9q34.3.
Variant type: single nucleotide variant.
Coding change: c.7583A>G on transcript NM_017617.5 (MANE Select); coding-DNA position 7583, A replaced by G.
Protein change: p.Asn2528Ser; replaces asparagine 2528 with serine.
Molecular consequence: missense variant.
Genome position (GRCh38, 1-based): chr9:136,496,156, T>C on the plus strand (A>G on the coding strand, the complement: NOTCH1 is on the minus strand). VCF-style: chr9-136496156-T-C. GRCh37 (hg19) VCF-style: chr9-139390608-T-C.
Other names: short protein forms N2528S.
Identifiers: ClinVar variation 3300459 (VCV003300459.3).

ClinVar aggregate classification (germline): Uncertain significance. Review status: criteria provided, multiple submitters, no conflicts (2 of 4 stars). 2 submissions from 2 submitters: Uncertain significance (2). Last evaluated 2026-06-01.

Conditions:
Familial thoracic aortic aneurysm and aortic dissection (TAAD). Also called: Thoracic aortic aneurysms and dissections. Identifiers: Orphanet 91387, MedGen C4707243, MONDO:0019625.

gnomAD v4.1: 7 of 1,610,120 alleles (0.00043%); highest among the groups gnomAD compares: Non-Finnish European, 0.00051%; no homozygotes.

Submissions (2):

CeGaT Center for Human Genetics Tuebingen
Classification: Uncertain significance. Last evaluated: 2026-06-01. Review status: criteria provided, single submitter. Criteria: CeGaT Center For Human Genetics Tuebingen Variant Classification Criteria Version 2. Collection method: clinical testing. Allele origin: germline. Affected: yes. Observed: 1 variant allele.
Comment: NOTCH1: PM2

Ambry Genetics
Classification: Uncertain significance for Familial thoracic aortic aneurysm and aortic dissection. Last evaluated: 2024-04-26. Review status: criteria provided, single submitter. Criteria: Ambry Variant Classification Scheme 2023. Collection method: clinical testing. Allele origin: germline.
Comment: The p.N2528S variant (also known as c.7583A>G), located in coding exon 34 of the NOTCH1 gene, results from an A to G substitution at nucleotide position 7583. The asparagine at codon 2528 is replaced by serine, an amino acid with highly similar properties. This amino acid position is conserved. In addition, this alteration is predicted to be tolerated by in silico analysis. Based on the available evidence, the clinical significance of this variant remains unclear.